The following is an entry in ClinVar:

ClinVar aggregate classification (germline): Uncertain significance (1 of 4 stars; one submission).

Conditions:
Congenital myopathy with internal nuclei and atypical cores. Also called: Myopathy, centronuclear, 4. Identifiers: Orphanet 319160, MedGen C4707232, MONDO:0013890, OMIM 614807.

Allele frequency attached by ClinVar (database versions not stated): gnomAD 0.00001; gnomAD exomes 0.00001; TOPMed 0.00001.

Submission:

Labcorp Genetics (formerly Invitae), Labcorp
Classification: Uncertain significance for Congenital myopathy with internal nuclei and atypical cores. Last evaluated: 2020-08-21. Review status: criteria provided, single submitter. Criteria: Invitae Variant Classification Sherloc (09022015). Collection method: clinical testing. Allele origin: germline.
Comment: This sequence change replaces alanine with glutamic acid at codon 432 of the CCDC78 protein (p.Ala432Glu). The alanine residue is moderately conserved and there is a moderate physicochemical difference between alanine and glutamic acid. This variant is not present in population databases (ExAC no frequency). This variant has not been reported in the literature in individuals with CCDC78-related conditions. Algorithms developed to predict the effect of missense changes on protein structure and function output the following: SIFT: "Tolerated"; PolyPhen-2: "Not Available"; Align-GVGD: "Class C0". The glutamic acid amino acid residue is found in multiple mammalian species, suggesting that this missense change does not adversely affect protein function. These predictions have not been confirmed by published functional studies and their clinical significance is uncertain. In summary, the available evidence is currently insufficient to determine the role of this variant in disease. Therefore, it has been classified as a Variant of Uncertain Significance.

NM_001378030.1(CCDC78):c.1299C>A (p.Gly433=)

Gene: CCDC78 (coiled-coil domain containing 78; minus strand). Cytogenetic location: 16p13.3.
Variant type: single nucleotide variant.
Coding change: c.1299C>A on transcript NM_001378030.1 (MANE Select); coding-DNA position 1299, C replaced by A.
Protein change: p.Gly433=; no amino-acid change (glycine 433 retained).
Molecular consequence: synonymous variant. On other transcripts: missense variant (1), non-coding transcript variant (5).
Genome position (GRCh38, 1-based): chr16:722,924, G>T on the plus strand (C>A on the coding strand, the complement: CCDC78 is on the minus strand). VCF-style: chr16-722924-G-T. GRCh37 (hg19) VCF-style: chr16-772924-G-T.
Other names: c.1295C>A, p.Ala432Glu (NM_001031737.3); c.1119C>A, p.Gly373= (NM_001378031.1); c.732C>A, p.Gly244= (NM_001378033.1); short protein forms A432E.
Identifiers: ClinVar variation 1034859 (VCV001034859.8), dbSNP rs1482540009, ClinGen allele CA394097274.